The following is an entry in ClinVar:

ClinVar aggregate classification (germline): Pathogenic (1 of 4 stars; one submission).

Submission:

Labcorp Genetics (formerly Invitae), Labcorp
Classification: Pathogenic. Last evaluated: 2020-07-21. Review status: criteria provided, single submitter. Criteria: Invitae Variant Classification Sherloc (09022015). Collection method: clinical testing. Allele origin: germline.
Comment: For these reasons, this variant has been classified as Pathogenic. This variant disrupts the C-terminus of the CUL7 protein. Other variant(s) that disrupt this region (p.Glu1594Glyfs*19) have been determined to be pathogenic (PMID: 16142236, 24793695, 28969986). This suggests that variants that disrupt this region of the protein are likely to be causative of disease. Nucleotide substitutions within the consensus splice site are a relatively common cause of aberrant splicing (PMID: 17576681, 9536098). Algorithms developed to predict the effect of sequence changes on RNA splicing suggest that this variant may disrupt the consensus splice site, but this prediction has not been confirmed by published transcriptional studies. This variant has not been reported in the literature in individuals with CUL7-related conditions. This variant is not present in population databases (ExAC no frequency). This sequence change affects a donor splice site in the last intron (intron 25) of the CUL7 gene. While this is not anticipated to result in nonsense mediated decay, it likely alters RNA splicing and results in a disrupted protein product.

Literature cited by the submitters: PubMed 16142236; PubMed 24793695; PubMed 28969986; PubMed 17576681; PubMed 9536098.

NM_014780.5(CUL7):c.4773+1G>A

Gene: CUL7 (cullin 7; minus strand). Cytogenetic location: 6p21.1.
Variant type: single nucleotide variant.
Coding change: c.4773+1G>A on transcript NM_014780.5 (MANE Select); the canonical splice donor site of the intron after coding-DNA position 4773, G replaced by A.
Molecular consequence: splice donor variant.
Genome position (GRCh38, 1-based): chr6:43,038,266, C>T on the plus strand (G>A on the coding strand, the complement: CUL7 is on the minus strand). VCF-style: chr6-43038266-C-T. GRCh37 (hg19) VCF-style: chr6-43006004-C-T.
Other names: c.4869+1G>A (NM_001168370.2, NM_001374872.1); c.4770+1G>A (NM_001374874.1); c.4785+1G>A (NM_001374873.1).
Identifiers: ClinVar variation 1074195 (VCV001074195.9), dbSNP rs2150304155, ClinGen allele CA364184731.